The following is an entry in ClinVar:

ClinVar aggregate classification (germline): Uncertain significance. Review status: criteria provided, multiple submitters, no conflicts (2 of 4 stars). 2 submissions from 2 submitters: Uncertain significance (2). Last evaluated 2025-04-19.

Conditions:
Inborn genetic diseases. Identifiers: MedGen C0950123, MeSH D030342.

Allele frequency attached by ClinVar (database versions not stated): gnomAD 0.00001; TOPMed below 0.00001.
gnomAD v4.1: 8 of 1,611,512 alleles (0.0005%); highest among the groups gnomAD compares: South Asian, 0.0011%; no homozygotes.

Submissions (2):

Ambry Genetics
Classification: Uncertain significance for Inborn genetic diseases. Last evaluated: 2025-04-19. Review status: criteria provided, single submitter. Criteria: Ambry Variant Classification Scheme 2023. Collection method: clinical testing. Allele origin: germline.

Labcorp Genetics (formerly Invitae), Labcorp
Classification: Uncertain significance. Last evaluated: 2022-08-10. Review status: criteria provided, single submitter. Criteria: Invitae Variant Classification Sherloc (09022015). Collection method: clinical testing. Allele origin: germline.
Comment: This sequence change replaces aspartic acid, which is acidic and polar, with asparagine, which is neutral and polar, at codon 1470 of the ATR protein (p.Asp1470Asn). This variant is not present in population databases (gnomAD no frequency). This variant has not been reported in the literature in individuals affected with ATR-related conditions. Algorithms developed to predict the effect of missense changes on protein structure and function (SIFT, PolyPhen-2, Align-GVGD) all suggest that this variant is likely to be tolerated. In summary, the available evidence is currently insufficient to determine the role of this variant in disease. Therefore, it has been classified as a Variant of Uncertain Significance.

NM_001184.4(ATR):c.4408G>A (p.Asp1470Asn)

Gene: ATR (ATR checkpoint kinase; minus strand). Cytogenetic location: 3q23.
Variant type: single nucleotide variant.
Coding change: c.4408G>A on transcript NM_001184.4 (MANE Select); coding-DNA position 4408, G replaced by A.
Protein change: p.Asp1470Asn; replaces aspartic acid 1470 with asparagine.
Molecular consequence: missense variant.
Genome position (GRCh38, 1-based): chr3:142,515,490, C>T on the plus strand (G>A on the coding strand, the complement: ATR is on the minus strand). VCF-style: chr3-142515490-C-T. GRCh37 (hg19) VCF-style: chr3-142234332-C-T.
Other names: c.4216G>A, p.Asp1406Asn (NM_001354579.2); short protein forms D1470N, D1406N.
Identifiers: ClinVar variation 1740366 (VCV001740366.6), dbSNP rs1482290072, ClinGen allele CA354798694.
Genomic context (GRCh38, chr3:142,515,490, plus strand): 5'-ATTCTGCAAAGTTACTACCCAATTTACTTAAGTAAATTGGCTTCTTTACTCCAGACCAAT[C>T]GGTTGACTTCTGAGAACTCTTGTATCTGTAATTTTGAAAATTTGTTTATTAAAAAGATAA-3'
Protein context (NP_001175.2, residues 1460-1480): TRYKSSQKST[Asp1470Asn]WSGVKKPIYL